The following is an entry in ClinVar:

NM_001035.3(RYR2):c.5656G>A (p.Gly1886Ser)

Gene: RYR2 (ryanodine receptor 2; plus strand). Cytogenetic location: 1q43.
Variant type: single nucleotide variant.
Coding change: c.5656G>A on transcript NM_001035.3 (MANE Select); coding-DNA position 5656, G replaced by A.
Protein change: p.Gly1886Ser; replaces glycine 1886 with serine.
Molecular consequence: missense variant.
Genome position (GRCh38, 1-based): chr1:237,614,784, G>A. VCF-style: chr1-237614784-G-A. GRCh37 (hg19) VCF-style: chr1-237778084-G-A.
Other names: short protein forms G1886S.
Identifiers: ClinVar variation 36747 (VCV000036747.46), dbSNP rs3766871, ClinGen allele CA009946.

ClinVar aggregate classification (germline): Benign/Likely benign. Review status: criteria provided, multiple submitters, no conflicts (2 of 4 stars). 16 submissions from 16 submitters: Benign (13); Likely benign (2). 1 of the submissions does not count toward it. Last evaluated 2026-02-04.

Conditions:
Cardiovascular phenotype. Identifiers: MedGen CN230736.
Catecholaminergic polymorphic ventricular tachycardia (CVPT). Also called: Catecholamine-induced polymorphic ventricular tachycardia. Identifiers: Orphanet 3286, MedGen C5574922, MONDO:0017990.
Cardiomyopathy (CMYO). Also called: Cardiomyopathies. Identifiers: Orphanet 167848, MedGen C0878544, MONDO:0004994, HP:0001638. Inheritance: Various modes of inheritance.
Catecholaminergic polymorphic ventricular tachycardia 1. Also called: VENTRICULAR TACHYCARDIA, STRESS-INDUCED POLYMORPHIC 1; RYR2-Related Catecholaminergic Polymorphic Ventricular Tachycardia; VENTRICULAR TACHYCARDIA, CATECHOLAMINERGIC POLYMORPHIC, 1, WITH OR WITHOUT ATRIAL DYSFUNCTION AND/OR DILATED CARDIOMYOPATHY. Identifiers: Orphanet 3286, MedGen C1631597, MONDO:0011484, OMIM 604772.

Allele frequency attached by ClinVar (database versions not stated): gnomAD exomes 0.04043; gnomAD 0.06110; ESP Exome Variant Server 0.06285; 1000 Genomes Project 30x 0.07495; 1000 Genomes Project 0.07628; ExAC 0.04385; TOPMed 0.06448.
gnomAD v4.1: 60,237 of 1,609,148 alleles (3.7%); highest among the groups gnomAD compares: African/African-American, 14%; 1,711 homozygotes.

Submissions (16):

Labcorp Genetics (formerly Invitae), Labcorp
Classification: Benign for Catecholaminergic polymorphic ventricular tachycardia 1. Last evaluated: 2026-02-04. Review status: criteria provided, single submitter. Criteria: Invitae Variant Classification Sherloc (09022015). Collection method: clinical testing. Allele origin: germline.

ARUP Laboratories, Molecular Genetics and Genomics, ARUP Laboratories
Classification: Benign. Last evaluated: 2025-06-23. Review status: criteria provided, single submitter. Criteria: ARUP Molecular Germline Variant Investigation Process 2024. Collection method: clinical testing. Allele origin: germline.

Blueprint Genetics
Classification: Benign. Last evaluated: 2024-11-26. Review status: criteria provided, single submitter. Criteria: ACMG Guidelines, 2015. Collection method: clinical testing. Allele origin: germline.

All of Us Research Program, National Institutes of Health
Classification: Benign for Catecholaminergic polymorphic ventricular tachycardia. Last evaluated: 2024-10-01. Review status: criteria provided, single submitter. Criteria: ACMG Guidelines, 2015. Collection method: clinical testing. Allele origin: germline. Inheritance: Autosomal dominant inheritance. Observed: 10,574 variant alleles, 10,244 heterozygotes, 327 homozygotes, 3 hemizygotes.
Comment: This study involves interpretation of variants in research participants for the purpose of population health screening. Participant phenotype was not available at the time of variant classification. Additional details can be found in publication PMID: 35346344, PMCID: PMC8962531

Color Diagnostics, LLC DBA Color Health
Classification: Benign for Cardiomyopathy. Last evaluated: 2018-03-15. Review status: criteria provided, single submitter. Criteria: ACMG Guidelines, 2015. Collection method: clinical testing. Allele origin: germline.

Illumina Laboratory Services, Illumina
Classification: Likely benign for Catecholaminergic polymorphic ventricular tachycardia 1. Last evaluated: 2017-04-27. Review status: criteria provided, single submitter. Criteria: ICSL Variant Classification Criteria 13 December 2019. Collection method: clinical testing. Allele origin: germline.
Comment: This variant was observed as part of a predisposition screen in an ostensibly healthy population. A literature search was performed for the gene, cDNA change, and amino acid change (where applicable). Publications were found based on this search. The evidence from the literature, in combination with allele frequency data from public databases where available, was sufficient to determine this variant is unlikely to cause disease. Therefore, this variant is classified as likely benign.

Molecular Diagnostic Laboratory for Inherited Cardiovascular Disease, Montreal Heart Institute
Classification: Benign. Last evaluated: 2016-07-20. Review status: criteria provided, single submitter. Criteria: ACMG Guidelines, 2015. Collection method: clinical testing. Allele origin: germline. Affected: yes.

Ambry Genetics
Classification: Benign for Cardiovascular phenotype. Last evaluated: 2015-03-11. Review status: criteria provided, single submitter. Criteria: Ambry Variant Classification Scheme 2023. Collection method: clinical testing. Allele origin: germline.

GeneDx
Classification: Benign. Last evaluated: 2015-03-03. Review status: criteria provided, single submitter. Criteria: GeneDx Variant Classification Process June 2021. Collection method: clinical testing. Allele origin: germline. Affected: yes.
Comment: This variant is associated with the following publications: (PMID: 25773045, 30403697, 27153395, 27663074, 18326664, 19926015, 20408814, 24025405)

Mayo Clinic Laboratories, Mayo Clinic
Classification: Benign. Last evaluated: 2014-05-12. Review status: criteria provided, single submitter. Criteria: ACMG Guidelines, 2015. Collection method: clinical testing. Allele origin: germline. Observed: 120 variant alleles.

Eurofins Ntd Llc (ga)
Classification: Benign. Last evaluated: 2013-07-23. Review status: criteria provided, single submitter. Criteria: EGL Classification Definitions 2015. Collection method: clinical testing. Allele origin: germline. Observed: 1 variant allele, 1 heterozygote.

Biesecker Lab/Clinical Genomics Section, National Institutes of Health
Classification: Benign. Last evaluated: 2013-06-24. Review status: criteria provided, single submitter. Criteria: Ng et al. (Circ Cardiovasc Genet. 2013). Collection method: research. Allele origin: unknown. Observed: 31 variant alleles. Study: ClinSeq.
Comment: The study set was not selected for affection status in relation to any cancer. Pathogenicity categories were based on literature curation. See Pubmed ID:23861362 for details.

Medical sequencing

Laboratory for Molecular Medicine, Mass General Brigham Personalized Medicine
Classification: Benign. Last evaluated: 2011-11-11. Review status: criteria provided, single submitter. Criteria: LMM Criteria. Collection method: clinical testing. Allele origin: germline. Observed: 178 variant alleles.

Breakthrough Genomics
Classification: Likely benign. Review status: criteria provided, single submitter. Criteria: ACMG Guidelines, 2015. Collection method: not provided. Allele origin: germline. Inheritance: Autosomal dominant inheritance. Affected: yes.

PreventionGenetics, part of Exact Sciences
Classification: Benign. Review status: criteria provided, single submitter. Criteria: ACMG Guidelines, 2015. Collection method: clinical testing. Allele origin: germline.

Women's Health and Genetics/Laboratory Corporation of America, LabCorp
Classification: Benign for Cardiomyopathy. Last evaluated: 2013-03-01. Review status: no assertion criteria provided. Collection method: clinical testing. Allele origin: germline. Not counted in ClinVar's aggregate classification.

Literature cited by the submitters: PubMed 18326664 (cited by Illumina Laboratory Services, Illumina); PubMed 22677073 (cited by Illumina Laboratory Services, Illumina); PubMed 24447446 (cited by Illumina Laboratory Services, Illumina); PubMed 19709828 (cited by Illumina Laboratory Services, Illumina); PubMed 19926015 (cited by Illumina Laboratory Services, Illumina).